The following is an entry in ClinVar:

NM_014991.6(WDFY3):c.10387T>G (p.Cys3463Gly)

Gene: WDFY3 (WD repeat and FYVE domain containing 3; minus strand). Cytogenetic location: 4q21.23.
Variant type: single nucleotide variant.
Coding change: c.10387T>G on transcript NM_014991.6 (MANE Select); coding-DNA position 10387, T replaced by G.
Protein change: p.Cys3463Gly; replaces cysteine 3463 with glycine.
Molecular consequence: missense variant.
Genome position (GRCh38, 1-based): chr4:84,677,269, A>C on the plus strand (T>G on the coding strand, the complement: WDFY3 is on the minus strand). VCF-style: chr4-84677269-A-C. GRCh37 (hg19) VCF-style: chr4-85598422-A-C.
Other names: short protein forms C3463G.
Identifiers: ClinVar variation 4686209 (VCV004686209.1).

ClinVar aggregate classification (germline): Uncertain significance (1 of 4 stars; one submission).

Submission:

GeneDx
Classification: Uncertain significance. Last evaluated: 2025-07-10. Review status: criteria provided, single submitter. Criteria: GeneDx Variant Classification Process June 2021. Collection method: clinical testing. Allele origin: germline. Affected: yes.
Comment: Not observed at significant frequency in large population cohorts (gnomAD); In silico analysis supports that this missense variant has a deleterious effect on protein structure/function; Has not been previously published as pathogenic or benign to our knowledge